The following is an entry in ClinVar:

NM_004527.4(MEOX1):c.269A>G (p.Gln90Arg)

Gene: MEOX1 (mesenchyme homeobox 1; minus strand). Cytogenetic location: 17q21.31.
Variant type: single nucleotide variant.
Coding change: c.269A>G on transcript NM_004527.4 (MANE Select); coding-DNA position 269, A replaced by G.
Protein change: p.Gln90Arg; replaces glutamine 90 with arginine.
Molecular consequence: missense variant. On other transcripts: 5 prime UTR variant (1).
Genome position (GRCh38, 1-based): chr17:43,661,266, T>C on the plus strand (A>G on the coding strand, the complement: MEOX1 is on the minus strand). VCF-style: chr17-43661266-T-C. GRCh37 (hg19) VCF-style: chr17-41738634-T-C.
Other names: c.-77A>G (NM_001040002.2); c.269A>G, p.Gln90Arg (NM_013999.4); c.269A>G (NM_004527.3); short protein forms Q90R.
Identifiers: ClinVar variation 1442998 (VCV001442998.7), dbSNP rs1332489717, ClinGen allele CA399904616.

ClinVar aggregate classification (germline): Uncertain significance. Review status: criteria provided, multiple submitters, no conflicts (2 of 4 stars). 2 submissions from 2 submitters: Uncertain significance (2). Last evaluated 2026-01-06.

Conditions:
MEOX1-related disorder. Also called: MEOX1-related condition.

Allele frequency attached by ClinVar (database versions not stated): gnomAD exomes below 0.00001; TOPMed 0.00001.
gnomAD v4.1: 3 of 1,609,660 alleles (0.00019%); highest among the groups gnomAD compares: Admixed American, 0.0017%; no homozygotes.

Submissions (2):

PreventionGenetics, part of Exact Sciences
Classification: Uncertain significance for MEOX1-related condition. Last evaluated: 2026-01-06. Review status: criteria provided, single submitter. Criteria: ACMG Guidelines, 2015. Collection method: clinical testing. Allele origin: germline.
Comment: The MEOX1 c.269A>G variant is predicted to result in the amino acid substitution p.Gln90Arg. To our knowledge, this variant has not been reported in the literature or in a large population database (gnomAD), indicating this variant is rare. At this time, the clinical significance of this variant is uncertain due to the absence of conclusive functional and genetic evidence.

Labcorp Genetics (formerly Invitae), Labcorp
Classification: Uncertain significance. Last evaluated: 2024-11-04. Review status: criteria provided, single submitter. Criteria: Invitae Variant Classification Sherloc (09022015). Collection method: clinical testing. Allele origin: germline.
Comment: This sequence change replaces glutamine, which is neutral and polar, with arginine, which is basic and polar, at codon 90 of the MEOX1 protein (p.Gln90Arg). This variant is not present in population databases (gnomAD no frequency). This variant has not been reported in the literature in individuals affected with MEOX1-related conditions. ClinVar contains an entry for this variant (Variation ID: 1442998). An algorithm developed to predict the effect of missense changes on protein structure and function (PolyPhen-2) suggests that this variant is likely to be tolerated. In summary, the available evidence is currently insufficient to determine the role of this variant in disease. Therefore, it has been classified as a Variant of Uncertain Significance.